The following is an entry in ClinVar:

ClinVar aggregate classification (germline): Pathogenic (1 of 4 stars; one submission).

Conditions:
Wilms tumor 1 (WT1). Also called: Wilms tumor, somatic. Identifiers: Orphanet 654, MedGen CN033288, MONDO:0008679, OMIM 194070.

Submission:

Labcorp Genetics (formerly Invitae), Labcorp
Classification: Pathogenic for Wilms tumor 1. Last evaluated: 2023-11-17. Review status: criteria provided, single submitter. Criteria: Invitae Variant Classification Sherloc (09022015). Collection method: clinical testing. Allele origin: unknown.
Comment: A gross deletion of the genomic region encompassing the full coding sequence of the GPC3 gene has been identified. Loss-of-function variants in GPC3 are known to be pathogenic (PMID: 10402475, 12713262, 17603795). The boundaries of this event are unknown as they extend beyond the assayed region for this gene and therefore may encompass additional genes. Isolated whole-gene deletions of GPC3 have not been reported in the literature. However, larger copy number events that include this gene have been reported (PMID: 21362501). Experimental studies and prediction algorithms are not available or were not evaluated, and the functional significance of this variant is currently unknown. For these reasons, this variant has been classified as Pathogenic.

Literature cited by the submitters: PubMed 10402475; PubMed 12713262; PubMed 17603795; PubMed 21362501.

NC_000023.10:g.(?_132670152)_(133634107_?)del

Genes: CCDC160 (coiled-coil domain containing 160; plus strand), GPC3 (glypican 3; minus strand), HPRT1 (hypoxanthine phosphoribosyltransferase 1; plus strand), MIR106A (microRNA 106a; minus strand), MIR19B2 (microRNA 19b-2; minus strand) and 1 more. Cytogenetic location: Xq26.2-26.3.
Variant type: Deletion.
Identifiers: ClinVar variation 3245602 (VCV003245602.1).